The following is an entry in ClinVar:

ClinVar aggregate classification (germline): Uncertain significance (1 of 4 stars; one submission).

Submission:

Labcorp Genetics (formerly Invitae), Labcorp
Classification: Uncertain significance. Last evaluated: 2023-12-13. Review status: criteria provided, single submitter. Criteria: Invitae Variant Classification Sherloc (09022015). Collection method: clinical testing. Allele origin: germline.
Comment: This sequence change replaces lysine, which is basic and polar, with glutamic acid, which is acidic and polar, at codon 444 of the MUT protein (p.Lys444Glu). This variant is not present in population databases (gnomAD no frequency). This variant has not been reported in the literature in individuals affected with MUT-related conditions. An algorithm developed to predict the effect of missense changes on protein structure and function (PolyPhen-2) suggests that this variant is likely to be tolerated. In summary, the available evidence is currently insufficient to determine the role of this variant in disease. Therefore, it has been classified as a Variant of Uncertain Significance.

NM_000255.4(MMUT):c.1330A>G (p.Lys444Glu)

Gene: MMUT (methylmalonyl-CoA mutase; minus strand). Cytogenetic location: 6p12.3.
Variant type: single nucleotide variant.
Coding change: c.1330A>G on transcript NM_000255.4 (MANE Select); coding-DNA position 1330, A replaced by G.
Protein change: p.Lys444Glu; replaces lysine 444 with glutamic acid.
Molecular consequence: missense variant.
Genome position (GRCh38, 1-based): chr6:49,451,468, T>C on the plus strand (A>G on the coding strand, the complement: MMUT is on the minus strand). VCF-style: chr6-49451468-T-C. GRCh37 (hg19) VCF-style: chr6-49419181-T-C.
Other names: short protein forms K444E.
Identifiers: ClinVar variation 2700467 (VCV002700467.3), dbSNP rs1767549304, ClinGen allele CA364398599.